The following is an entry in ClinVar:

ClinVar aggregate classification (germline): Uncertain significance. Review status: criteria provided, multiple submitters, no conflicts (2 of 4 stars). 4 submissions from 4 submitters: Uncertain significance (3). 1 of the submissions does not count toward it. Last evaluated 2025-10-13.

Conditions:
MYO6-related disorder. Also called: MYO6-related condition; MYO6-related disorders.

Allele frequency attached by ClinVar (database versions not stated): ExAC 0.00006; gnomAD 0.00007; gnomAD exomes 0.00007 and 0.00008; ESP Exome Variant Server 0.00008; TOPMed 0.00008.
gnomAD v4.1: 108 of 1,614,024 alleles (0.0067%); highest among the groups gnomAD compares: Non-Finnish European, 0.0081%; no homozygotes.

Submissions (4):

Labcorp Genetics (formerly Invitae), Labcorp
Classification: Uncertain significance. Last evaluated: 2025-10-13. Review status: criteria provided, single submitter. Criteria: Invitae Variant Classification Sherloc (09022015). Collection method: clinical testing. Allele origin: germline.
Comment: This sequence change replaces asparagine, which is neutral and polar, with serine, which is neutral and polar, at codon 1264 of the MYO6 protein (p.Asn1264Ser). This variant is present in population databases (rs367978681, gnomAD 0.02%). This variant has not been reported in the literature in individuals affected with MYO6-related conditions. ClinVar contains an entry for this variant (Variation ID: 290787). Invitae Evidence Modeling of protein sequence and biophysical properties (such as structural, functional, and spatial information, amino acid conservation, physicochemical variation, residue mobility, and thermodynamic stability) indicates that this missense variant is not expected to disrupt MYO6 protein function with a negative predictive value of 80%. In summary, the available evidence is currently insufficient to determine the role of this variant in disease. Therefore, it has been classified as a Variant of Uncertain Significance.

GeneDx
Classification: Uncertain significance. Last evaluated: 2024-04-03. Review status: criteria provided, single submitter. Criteria: GeneDx Variant Classification Process June 2021. Collection method: clinical testing. Allele origin: germline. Affected: yes.
Comment: Reported as variant of uncertain significance identified in a cohort of individuals with hypertrophic cardiomyopathy in published literature (PMID: 30531895); patient clinical information not provided; In silico analysis supports that this missense variant does not alter protein structure/function; This variant is associated with the following publications: (PMID: 30531895)

Eurofins Ntd Llc (ga)
Classification: Uncertain significance. Last evaluated: 2016-08-26. Review status: criteria provided, single submitter. Criteria: EGL Classification Definitions 2015. Collection method: clinical testing. Allele origin: germline. Observed: 1 variant allele, 1 heterozygote.

PreventionGenetics, part of Exact Sciences
Classification: Uncertain significance for MYO6-related condition. Last evaluated: 2024-08-19. Review status: no assertion criteria provided. Collection method: clinical testing. Allele origin: germline. Not counted in ClinVar's aggregate classification.
Comment: The MYO6 c.3791A>G variant is predicted to result in the amino acid substitution p.Asn1264Ser. To our knowledge, this variant has not been reported in the literature. This variant is reported in 0.019% of alleles in individuals of Ashkenazi Jewish descent in gnomAD. At this time, the clinical significance of this variant is uncertain due to the absence of conclusive functional and genetic evidence.

NM_004999.4(MYO6):c.3791A>G (p.Asn1264Ser)

Gene: MYO6 (myosin VI; plus strand). Cytogenetic location: 6q14.1.
Variant type: single nucleotide variant.
Coding change: c.3791A>G on transcript NM_004999.4 (MANE Select); coding-DNA position 3791, A replaced by G.
Protein change: p.Asn1264Ser; replaces asparagine 1264 with serine.
Molecular consequence: missense variant. On other transcripts: non-coding transcript variant (1).
Genome position (GRCh38, 1-based): chr6:75,914,945, A>G. VCF-style: chr6-75914945-A-G. GRCh37 (hg19) VCF-style: chr6-76624662-A-G.
Other names: c.3791A>G (NM_004999.3); c.3722A>G, p.Asn1241Ser (NM_001300899.2); c.3695A>G, p.Asn1232Ser (NM_001368136.1); c.3752A>G, p.Asn1251Ser (NM_001368137.1); c.3707A>G, p.Asn1236Ser (NM_001368138.1); c.3818A>G, p.Asn1273Ser (NM_001368865.1); c.3791A>G, p.Asn1264Ser (NM_001368866.1); short protein forms N1264S, N1232S, N1273S, N1236S, N1251S, N1241S.
Identifiers: ClinVar variation 290787 (VCV000290787.14), dbSNP rs367978681, ClinGen allele CA3897812.